The following is an entry in ClinVar:

NM_001430.5(EPAS1):c.1000C>T (p.Pro334Ser)

Gene: EPAS1 (endothelial PAS domain protein 1; plus strand). Cytogenetic location: 2p21.
Variant type: single nucleotide variant.
Coding change: c.1000C>T on transcript NM_001430.5 (MANE Select); coding-DNA position 1000, C replaced by T.
Protein change: p.Pro334Ser; replaces proline 334 with serine.
Molecular consequence: missense variant.
Genome position (GRCh38, 1-based): chr2:46,375,803, C>T. VCF-style: chr2-46375803-C-T. GRCh37 (hg19) VCF-style: chr2-46602942-C-T.
Other names: short protein forms P334S.
Identifiers: ClinVar variation 1740652 (VCV001740652.2), dbSNP rs780083007, ClinGen allele CA346702937.

ClinVar aggregate classification (germline): Uncertain significance (1 of 4 stars; one submission).

Conditions:
Inborn genetic diseases. Identifiers: MedGen C0950123, MeSH D030342.

Submission:

Ambry Genetics
Classification: Uncertain significance for Inborn genetic diseases. Last evaluated: 2021-11-06. Review status: criteria provided, single submitter. Criteria: Ambry Variant Classification Scheme 2023. Collection method: clinical testing. Allele origin: germline.
Comment: The p.P334S variant (also known as c.1000C>T), located in coding exon 8 of the EPAS1 gene, results from a C to T substitution at nucleotide position 1000. The proline at codon 334 is replaced by serine, an amino acid with similar properties. This amino acid position is conserved. In addition, the in silico prediction for this alteration is inconclusive. Since supporting evidence is limited at this time, the clinical significance of this alteration remains unclear.